The following is an entry in ClinVar:

ClinVar aggregate classification (germline): Conflicting classifications of pathogenicity. Review status: criteria provided, conflicting classifications (1 of 4 stars). 5 submissions from 5 submitters: Uncertain significance (4); Likely benign (1). Last evaluated 2025-10-31.

Conditions:
Arrhythmogenic cardiomyopathy with wooly hair and keratoderma. Also called: PALMOPLANTAR KERATODERMA WITH LEFT VENTRICULAR CARDIOMYOPATHY AND WOOLLY HAIR; Arrhythmogenic cardiomyopathy with woolly hair and keratoderma; Dilated cardiomyopathy with woolly hair and keratoderma; Carvajal syndrome. Identifiers: Orphanet 65282, MedGen C1854063, MONDO:0011581, OMIM 605676.
Arrhythmogenic right ventricular dysplasia 8 (ARVD8). Also called: Arrhythmogenic Right Ventricular Dysplasia/Cardiomyopathy 8; ARRHYTHMOGENIC RIGHT VENTRICULAR DYSPLASIA, FAMILIAL, 8; ARRHYTHMOGENIC RIGHT VENTRICULAR CARDIOMYOPATHY 8. Identifiers: MedGen C1843896, MONDO:0011831, OMIM 607450.
Cardiomyopathy (CMYO). Also called: Cardiomyopathies. Identifiers: Orphanet 167848, MedGen C0878544, MONDO:0004994, HP:0001638. Inheritance: Various modes of inheritance.

Allele frequency attached by ClinVar (database versions not stated): ExAC 0.00001; gnomAD 0.00001; gnomAD exomes 0.00001 and 0.00003; TOPMed 0.00001.
gnomAD v4.1: 41 of 1,614,038 alleles (0.0025%); highest among the groups gnomAD compares: East Asian, 0.013%; no homozygotes.

Submissions (5):

Labcorp Genetics (formerly Invitae), Labcorp
Classification: Likely benign for Arrhythmogenic cardiomyopathy with wooly hair and keratoderma; Arrhythmogenic right ventricular dysplasia 8. Last evaluated: 2025-10-31. Review status: criteria provided, single submitter. Criteria: Invitae Variant Classification Sherloc (09022015). Collection method: clinical testing. Allele origin: germline.

Women's Health and Genetics/Laboratory Corporation of America, LabCorp
Classification: Uncertain significance. Last evaluated: 2025-04-29. Review status: criteria provided, single submitter. Criteria: LabCorp Variant Classification Summary - May 2015. Collection method: clinical testing. Allele origin: germline.

Color Diagnostics, LLC DBA Color Health
Classification: Uncertain significance for Cardiomyopathy. Last evaluated: 2024-03-06. Review status: criteria provided, single submitter. Criteria: ACMG Guidelines, 2015. Collection method: clinical testing. Allele origin: germline.
Comment: This missense variant replaces arginine with glutamine at codon 1579 of the DSP protein. Computational prediction suggests that this variant may not impact protein structure and function (internally defined REVEL score threshold <= 0.5, PMID: 27666373). To our knowledge, functional studies have not been reported for this variant. This variant has not been reported in individuals affected with DSP-related disorders in the literature. This variant has been identified in 3/250554 chromosomes in the general population by the Genome Aggregation Database (gnomAD). The available evidence is insufficient to determine the role of this variant in disease conclusively. Therefore, this variant is classified as a Variant of Uncertain Significance.

Blueprint Genetics
Classification: Uncertain significance. Last evaluated: 2023-03-29. Review status: criteria provided, single submitter. Criteria: ACMG Guidelines, 2015. Collection method: clinical testing. Allele origin: germline.

Laboratory for Molecular Medicine, Mass General Brigham Personalized Medicine
Classification: Uncertain significance. Last evaluated: 2015-04-23. Review status: criteria provided, single submitter. Criteria: LMM Criteria. Collection method: clinical testing. Allele origin: germline. Observed: 2 variant alleles.
Comment: proposed classification - variant undergoing re-assessment, contact laboratory

NM_004415.4(DSP):c.4736G>A (p.Arg1579Gln)

Gene: DSP (desmoplakin; plus strand). Cytogenetic location: 6p24.3.
Variant type: single nucleotide variant.
Coding change: c.4736G>A on transcript NM_004415.4 (MANE Select); coding-DNA position 4736, G replaced by A.
Protein change: p.Arg1579Gln; replaces arginine 1579 with glutamine.
Molecular consequence: missense variant. On other transcripts: intron variant (2).
Genome position (GRCh38, 1-based): chr6:7,580,926, G>A. VCF-style: chr6-7580926-G-A. GRCh37 (hg19) VCF-style: chr6-7581159-G-A.
Other names: c.4050+686G>A (NM_001319034.2); c.3582+1154G>A (NM_001008844.3); c.4736G>A (NM_004415.3); short protein forms R1579Q.
Identifiers: ClinVar variation 44920 (VCV000044920.14), dbSNP rs397516942, ClinGen allele CA004149.